The following is an entry in ClinVar:

NM_172107.4(KCNQ2):c.461A>G (p.Tyr154Cys)

Gene: KCNQ2 (potassium voltage-gated channel subfamily Q member 2; minus strand). Cytogenetic location: 20q13.33.
Variant type: single nucleotide variant.
Coding change: c.461A>G on transcript NM_172107.4 (MANE Select); coding-DNA position 461, A replaced by G.
Protein change: p.Tyr154Cys; replaces tyrosine 154 with cysteine.
Molecular consequence: missense variant.
Genome position (GRCh38, 1-based): chr20:63,445,291, T>C on the plus strand (A>G on the coding strand, the complement: KCNQ2 is on the minus strand). VCF-style: chr20-63445291-T-C. GRCh37 (hg19) VCF-style: chr20-62076644-T-C.
Other names: c.461A>G, p.Tyr154Cys (NM_001382235.1, NM_004518.6, NM_172106.3 and 2 more transcripts); short protein forms Y154C.
Identifiers: ClinVar variation 1904331 (VCV001904331.5), dbSNP rs2516511380, ClinGen allele CA409655292.

ClinVar aggregate classification (germline): Likely pathogenic (1 of 4 stars; one submission).

Conditions:
Early-infantile DEE. Also called: Early infantile epileptic encephalopathy with suppression bursts; Early infantile epileptic encephalopathy; Ohtahara syndrome. Identifiers: Orphanet 1934, MedGen C0393706, MONDO:0800491.

Submission:

Labcorp Genetics (formerly Invitae), Labcorp
Classification: Likely pathogenic for Early-infantile DEE. Last evaluated: 2022-09-01. Review status: criteria provided, single submitter. Criteria: Invitae Variant Classification Sherloc (09022015). Collection method: clinical testing. Allele origin: germline.
Comment: This sequence change replaces tyrosine, which is neutral and polar, with cysteine, which is neutral and slightly polar, at codon 154 of the KCNQ2 protein (p.Tyr154Cys). This variant is not present in population databases (gnomAD no frequency). This variant has not been reported in the literature in individuals affected with KCNQ2-related conditions. Advanced modeling of protein sequence and biophysical properties (such as structural, functional, and spatial information, amino acid conservation, physicochemical variation, residue mobility, and thermodynamic stability) performed at Invitae indicates that this missense variant is expected to disrupt KCNQ2 protein function. Algorithms developed to predict the effect of sequence changes on RNA splicing suggest that this variant may disrupt the consensus splice site. This variant disrupts the p.Tyr154 amino acid residue in KCNQ2. Other variant(s) that disrupt this residue have been determined to be pathogenic (PMID: 23360469). This suggests that this residue is clinically significant, and that variants that disrupt this residue are likely to be disease-causing. In summary, the currently available evidence indicates that the variant is pathogenic, but additional data are needed to prove that conclusively. Therefore, this variant has been classified as Likely Pathogenic.

Literature cited by the submitters: PubMed 23360469.